The following is an entry in ClinVar:

NM_002691.4(POLD1):c.1808T>C (p.Phe603Ser)

Gene: POLD1 (DNA polymerase delta 1, catalytic subunit; plus strand). Cytogenetic location: 19q13.33.
Variant type: single nucleotide variant.
Coding change: c.1808T>C on transcript NM_002691.4 (MANE Select); coding-DNA position 1808, T replaced by C.
Protein change: p.Phe603Ser; replaces phenylalanine 603 with serine.
Molecular consequence: missense variant. On other transcripts: non-coding transcript variant (1).
Genome position (GRCh38, 1-based): chr19:50,408,817, T>C. VCF-style: chr19-50408817-T-C. GRCh37 (hg19) VCF-style: chr19-50912074-T-C.
Other names: c.1808T>C, p.Phe603Ser (NM_001256849.1); c.1886T>C, p.Phe629Ser (NM_001308632.1); short protein forms F603S, F629S.
Identifiers: ClinVar variation 3421994 (VCV003421994.1).

ClinVar aggregate classification (germline): Uncertain significance (1 of 4 stars; one submission).

Conditions:
Hereditary cancer-predisposing syndrome. Also called: Neoplastic Syndromes, Hereditary; Tumor predisposition; Hereditary Cancer Syndrome; Hereditary neoplastic syndrome. Identifiers: Orphanet 140162, MedGen C0027672, MeSH D009386, MONDO:0015356.

Submission:

Ambry Genetics
Classification: Uncertain significance for Hereditary cancer-predisposing syndrome. Last evaluated: 2024-10-04. Review status: criteria provided, single submitter. Criteria: Ambry Variant Classification Scheme 2023. Collection method: clinical testing. Allele origin: germline.
Comment: The p.F603S variant (also known as c.1808T>C), located in coding exon 14 of the POLD1 gene, results from a T to C substitution at nucleotide position 1808. The phenylalanine at codon 603 is replaced by serine, an amino acid with highly dissimilar properties. This amino acid position is conserved. In addition, this alteration is predicted to be deleterious by in silico analysis. Based on the available evidence, the clinical significance of this variant remains unclear.